The following is an entry in ClinVar:

NM_001330078.2(NRXN1):c.4034C>T (p.Ser1345Leu)

Gene: NRXN1 (neurexin 1; minus strand). Cytogenetic location: 2p16.3.
Variant type: single nucleotide variant.
Coding change: c.4034C>T on transcript NM_001330078.2 (MANE Select); coding-DNA position 4034, C replaced by T.
Protein change: p.Ser1345Leu; replaces serine 1345 with leucine.
Molecular consequence: missense variant.
Genome position (GRCh38, 1-based): chr2:50,053,365, G>A on the plus strand (C>T on the coding strand, the complement: NRXN1 is on the minus strand). VCF-style: chr2-50053365-G-A. GRCh37 (hg19) VCF-style: chr2-50280503-G-A.
Other names: c.4154C>T, p.Ser1385Leu (NM_001135659.3); c.4010C>T, p.Ser1337Leu (NM_001330077.2, NM_001330082.2); c.3878C>T, p.Ser1293Leu (NM_001330083.2); c.3968C>T, p.Ser1323Leu (NM_001330084.2); c.4007C>T, p.Ser1336Leu (NM_001330085.2); c.4034C>T, p.Ser1345Leu (NM_001330086.2); c.3833C>T, p.Ser1278Leu (NM_001330087.2, NM_001330096.2); c.3863C>T, p.Ser1288Leu (NM_001330088.2); and 6 more; short protein forms S1323L, S280L, S310L, S1293L, S1336L, S1341L, S1298L, S1315L.
Identifiers: ClinVar variation 2754202 (VCV002754202.3), dbSNP rs2467632988, ClinGen allele CA346819530.

ClinVar aggregate classification (germline): Uncertain significance (1 of 4 stars; one submission).

Conditions:
Pitt-Hopkins-like syndrome 2 (PTHSL2). Identifiers: Orphanet 221150, Orphanet 600663, MedGen C3280479, MONDO:0013690, OMIM 614325.

Submission:

Labcorp Genetics (formerly Invitae), Labcorp
Classification: Uncertain significance for Pitt-Hopkins-like syndrome 2. Last evaluated: 2023-08-20. Review status: criteria provided, single submitter. Criteria: Invitae Variant Classification Sherloc (09022015). Collection method: clinical testing. Allele origin: germline.
Comment: This variant has not been reported in the literature in individuals affected with NRXN1-related conditions. In summary, the available evidence is currently insufficient to determine the role of this variant in disease. Therefore, it has been classified as a Variant of Uncertain Significance. Advanced modeling of protein sequence and biophysical properties (such as structural, functional, and spatial information, amino acid conservation, physicochemical variation, residue mobility, and thermodynamic stability) performed at Invitae indicates that this missense variant is not expected to disrupt NRXN1 protein function. This variant is not present in population databases (gnomAD no frequency). This sequence change replaces serine, which is neutral and polar, with leucine, which is neutral and non-polar, at codon 1385 of the NRXN1 protein (p.Ser1385Leu).